The following is an entry in ClinVar:

NM_003913.5(PRP4K):c.1392A>G (p.Arg464=)

Gene: PRP4K (pre-mRNA processing factor kinase PRP4K; plus strand). Cytogenetic location: 6p25.2.
Variant type: single nucleotide variant.
Coding change: c.1392A>G on transcript NM_003913.5 (MANE Select); coding-DNA position 1392, A replaced by G.
Protein change: p.Arg464=; no amino-acid change (arginine 464 retained).
Molecular consequence: synonymous variant. On other transcripts: non-coding transcript variant (3).
Genome position (GRCh38, 1-based): chr6:4,037,550, A>G. VCF-style: chr6-4037550-A-G. GRCh37 (hg19) VCF-style: chr6-4037784-A-G.
Identifiers: ClinVar variation 2656188 (VCV002656188.24), dbSNP rs34976464, ClinGen allele CA3620919.

ClinVar aggregate classification (germline): Likely benign (1 of 4 stars; one submission).

Allele frequency attached by ClinVar (database versions not stated): ESP Exome Variant Server 0.00200; 1000 Genomes Project 30x 0.00219; 1000 Genomes Project 0.00240.
gnomAD v4.1: 690 of 1,613,616 alleles (0.043%); highest among the groups gnomAD compares: African/African-American, 0.69%; 2 homozygotes.

Submission:

CeGaT Center for Human Genetics Tuebingen
Classification: Likely benign. Last evaluated: 2022-10-01. Review status: criteria provided, single submitter. Criteria: CeGaT Center For Human Genetics Tuebingen Variant Classification Criteria Version 2. Collection method: clinical testing. Allele origin: germline. Affected: yes. Observed: 1 variant allele.
Comment: PRP4K: BP4, BP7